The following is an entry in ClinVar:

NM_017617.5(NOTCH1):c.526C>T (p.Arg176Trp)

Gene: NOTCH1 (notch receptor 1; minus strand). Cytogenetic location: 9q34.3.
Variant type: single nucleotide variant.
Coding change: c.526C>T on transcript NM_017617.5 (MANE Select); coding-DNA position 526, C replaced by T.
Protein change: p.Arg176Trp; replaces arginine 176 with tryptophan.
Molecular consequence: missense variant.
Genome position (GRCh38, 1-based): chr9:136,523,066, G>A on the plus strand (C>T on the coding strand, the complement: NOTCH1 is on the minus strand). VCF-style: chr9-136523066-G-A. GRCh37 (hg19) VCF-style: chr9-139417518-G-A.
Other names: short protein forms R176W.
Identifiers: ClinVar variation 1382208 (VCV001382208.11), dbSNP rs575513935, ClinGen allele CA5342135.

ClinVar aggregate classification (germline): Conflicting classifications of pathogenicity. Review status: criteria provided, conflicting classifications (1 of 4 stars). 2 submissions from 2 submitters: Uncertain significance (1); Benign (1). Last evaluated 2025-10-28.

Conditions:
Adams-Oliver syndrome 5 (AOS5). Identifiers: Orphanet 974, MedGen C4014970, MONDO:0014459, OMIM 616028.
Familial thoracic aortic aneurysm and aortic dissection (TAAD). Also called: Thoracic aortic aneurysms and dissections. Identifiers: Orphanet 91387, MedGen C4707243, MONDO:0019625.

Allele frequency attached by ClinVar (database versions not stated): gnomAD exomes 0.00001 and 0.00002; gnomAD 0.00003; TOPMed 0.00004; 1000 Genomes Project 0.00020; 1000 Genomes Project 30x 0.00031.
gnomAD v4.1: 22 of 1,580,808 alleles (0.0014%); highest among the groups gnomAD compares: African/African-American, 0.0081%; no homozygotes.

Submissions (2):

Labcorp Genetics (formerly Invitae), Labcorp
Classification: Benign for Adams-Oliver syndrome 5. Last evaluated: 2025-10-28. Review status: criteria provided, single submitter. Criteria: Invitae Variant Classification Sherloc (09022015). Collection method: clinical testing. Allele origin: germline.

Ambry Genetics
Classification: Uncertain significance for Familial thoracic aortic aneurysm and aortic dissection. Last evaluated: 2025-06-20. Review status: criteria provided, single submitter. Criteria: Ambry Variant Classification Scheme 2023. Collection method: clinical testing. Allele origin: germline.
Comment: The p.R176W variant (also known as c.526C>T), located in coding exon 4 of the NOTCH1 gene, results from a C to T substitution at nucleotide position 526. The arginine at codon 176 is replaced by tryptophan, an amino acid with dissimilar properties. This amino acid position is conserved. In addition, the in silico prediction for this alteration is inconclusive. Since supporting evidence is limited at this time, the clinical significance of this alteration remains unclear.